The following is an entry in ClinVar:

NM_002875.5(RAD51):c.850A>G (p.Lys284Glu)

Gene: RAD51 (RAD51 recombinase; plus strand). Cytogenetic location: 15q15.1.
Variant type: single nucleotide variant.
Coding change: c.850A>G on transcript NM_002875.5 (MANE Select); coding-DNA position 850, A replaced by G.
Protein change: p.Lys284Glu; replaces lysine 284 with glutamic acid.
Molecular consequence: missense variant. On other transcripts: intron variant (1).
Genome position (GRCh38, 1-based): chr15:40,729,928, A>G. VCF-style: chr15-40729928-A-G. GRCh37 (hg19) VCF-style: chr15-41022126-A-G.
Other names: c.853A>G, p.Lys285Glu (NM_001164269.2, NM_133487.4); c.774+294A>G (NM_001164270.2); short protein forms K285E, K284E.
Identifiers: ClinVar variation 4838524 (VCV004838524.1).
Genomic context (GRCh38, chr15:40,729,928, plus strand): 5'-GTAATCACTAATCAGGTGGTAGCTCAAGTGGATGGAGCAGCGATGTTTGCTGCTGATCCC[A>G]AAAAACCTATTGGAGGAAATATCATCGCCCATGCATCAACAACCAGGTAAGGTGTTGATG-3'
Protein context (NP_002866.2, residues 274-294): DGAAMFAADP[Lys284Glu]KPIGGNIIAH

ClinVar aggregate classification (germline): Uncertain significance (1 of 4 stars; one submission).

Conditions:
Inborn genetic diseases. Identifiers: MedGen C0950123, MeSH D030342.

Submission:

Ambry Genetics
Classification: Uncertain significance for Inborn genetic diseases. Last evaluated: 2026-01-12. Review status: criteria provided, single submitter. Criteria: Ambry Variant Classification Scheme 2023. Collection method: clinical testing. Allele origin: germline.
Comment: The c.850A>G (p.K284E) alteration is located in exon 9 (coding exon 8) of the RAD51 gene. This alteration results from an A to G substitution at nucleotide position 850, causing the lysine (K) at amino acid position 284 to be replaced by a glutamic acid (E). This variant was not reported in population-based cohorts in the Genome Aggregation Database (gnomAD). This amino acid position is highly conserved in available vertebrate species. This missense alteration is located in a region that has a low rate of benign missense variation (Lek, 2016; Firth, 2009). The in silico prediction for this alteration is inconclusive. Based on insufficient or conflicting evidence, the clinical significance of this alteration remains unclear.